The following is an entry in ClinVar:

NM_000142.5(FGFR3):c.1076-16G>A

Gene: FGFR3 (fibroblast growth factor receptor 3; plus strand). Cytogenetic location: 4p16.3.
Variant type: single nucleotide variant.
Coding change: c.1076-16G>A on transcript NM_000142.5 (MANE Select); 16 bases into the intron before coding-DNA position 1076, G replaced by A.
Molecular consequence: intron variant.
Genome position (GRCh38, 1-based): chr4:1,804,314, G>A. VCF-style: chr4-1804314-G-A. GRCh37 (hg19) VCF-style: chr4-1806041-G-A.
Other names: c.1082-16G>A (NM_001163213.2); c.1076-16G>A (NM_001354809.2, NM_001354810.2); c.931-510G>A (NM_022965.4).
Identifiers: ClinVar variation 255325 (VCV000255325.24), dbSNP rs3135889, ClinGen allele CA2810250.
Genomic context (GRCh38, chr4:1,804,314, plus strand): 5'-CTCTGGGCCAGGGGCATCCATGGGAGCCCCGTGGGGGGGGGGGCCAGGCCAGGCCTCAAC[G>A]CCCATGTCTTTGCAGCCGAGGAGGAGCTGGTGGAGGCTGACGAGGCGGGCAGTGTGTATG-3'

ClinVar aggregate classification (germline): Benign. Review status: criteria provided, multiple submitters, no conflicts (2 of 4 stars). 7 submissions from 7 submitters: Benign (5). 2 of the submissions do not count toward it. Last evaluated 2025-12-29.

Allele frequency attached by ClinVar (database versions not stated): gnomAD exomes 0.00265; ExAC 0.00274; gnomAD 0.00285 and 0.00296; TOPMed 0.00318; 1000 Genomes Project 0.00040; 1000 Genomes Project 30x 0.00047; ESP Exome Variant Server 0.00384.
gnomAD v4.1: 5,477 of 1,587,218 alleles (0.35%); highest among the groups gnomAD compares: Admixed American, 0.55%; 21 homozygotes.

Submissions (7):

Labcorp Genetics (formerly Invitae), Labcorp
Classification: Benign. Last evaluated: 2025-12-29. Review status: criteria provided, single submitter. Criteria: Invitae Variant Classification Sherloc (09022015). Collection method: clinical testing. Allele origin: germline.

ARUP Laboratories, Molecular Genetics and Genomics, ARUP Laboratories
Classification: Benign. Last evaluated: 2025-02-18. Review status: criteria provided, single submitter. Criteria: ARUP Molecular Germline Variant Investigation Process 2024. Collection method: clinical testing. Allele origin: germline.

GeneDx
Classification: Benign. Last evaluated: 2017-09-07. Review status: criteria provided, single submitter. Criteria: GeneDx Variant Classification (06012015). Collection method: clinical testing. Allele origin: germline. Affected: yes.
Comment: This variant is considered likely benign or benign based on one or more of the following criteria: it is a conservative change, it occurs at a poorly conserved position in the protein, it is predicted to be benign by multiple in silico algorithms, and/or has population frequency not consistent with disease.

Breakthrough Genomics
Classification: Benign. Review status: criteria provided, single submitter. Criteria: ACMG Guidelines, 2015. Collection method: not provided. Allele origin: germline. Inheritance: Autosomal dominant inheritance. Affected: yes.

PreventionGenetics, part of Exact Sciences
Classification: Benign. Review status: criteria provided, single submitter. Criteria: ACMG Guidelines, 2015. Collection method: clinical testing. Allele origin: germline.

Joint Genome Diagnostic Labs from Nijmegen and Maastricht, Radboudumc and MUMC+
Classification: Likely benign. Review status: no assertion criteria provided. Collection method: clinical testing. Allele origin: germline. Affected: yes. Study: VKGL Data-share Consensus. Not counted in ClinVar's aggregate classification.

Laboratory of Diagnostic Genome Analysis, Leiden University Medical Center (LUMC)
Classification: Benign. Review status: no assertion criteria provided. Collection method: clinical testing. Allele origin: germline. Affected: yes. Study: VKGL Data-share Consensus. Not counted in ClinVar's aggregate classification.